The following is an entry in ClinVar:

ClinVar aggregate classification (germline): Uncertain significance (1 of 4 stars; one submission).

Submission:

Labcorp Genetics (formerly Invitae), Labcorp
Classification: Uncertain significance. Last evaluated: 2023-09-11. Review status: criteria provided, single submitter. Criteria: Invitae Variant Classification Sherloc (09022015). Collection method: clinical testing. Allele origin: germline.
Comment: In summary, the available evidence is currently insufficient to determine the role of this variant in disease. Therefore, it has been classified as a Variant of Uncertain Significance. This variant has not been reported in the literature in individuals affected with SLC13A3-related conditions. This variant results in a copy number gain of the genomic region encompassing exon(s) 4 of the SLC13A3 gene. While the exact position of this variant cannot be determined from the data, sub-genic copy number gains are generally in tandem (PMID: 25640679). This variant is predicted to be out-of-frame, and may result in an absent or disrupted protein product. However, the current clinical and genetic evidence is not sufficient to establish whether loss-of-function variants in SLC13A3 cause disease.

Literature cited by the submitters: PubMed 25640679.

NC_000020.10:g.(?_45228590)_(45228696_?)dup

Gene: SLC13A3 (solute carrier family 13 member 3; minus strand). Cytogenetic location: 20q13.12.
Variant type: Duplication.
Identifiers: ClinVar variation 1412360 (VCV001412360.5).